The following is an entry in ClinVar:

ClinVar aggregate classification (germline): Likely benign. Review status: criteria provided, multiple submitters, no conflicts (2 of 4 stars). 4 submissions from 4 submitters: Likely benign (3). 1 of the submissions does not count toward it. Last evaluated 2026-05-23.

Conditions:
NSD1-related disorder. Also called: NSD1-related condition.
Inborn genetic diseases. Identifiers: MedGen C0950123, MeSH D030342.

Allele frequency attached by ClinVar (database versions not stated): TOPMed 0.00004; gnomAD exomes 0.00001 and 0.00002; gnomAD 0.00001; ExAC 0.00001.
gnomAD v4.1: 15 of 1,613,912 alleles (0.00093%); highest among the groups gnomAD compares: East Asian, 0.0022%; no homozygotes.

Submissions (4):

Ambry Genetics
Classification: Likely benign for Inborn genetic diseases. Last evaluated: 2026-05-23. Review status: criteria provided, single submitter. Criteria: Ambry Variant Classification Scheme 2023. Collection method: clinical testing. Allele origin: germline.

Labcorp Genetics (formerly Invitae), Labcorp
Classification: Likely benign. Last evaluated: 2024-11-15. Review status: criteria provided, single submitter. Criteria: Invitae Variant Classification Sherloc (09022015). Collection method: clinical testing. Allele origin: germline.

Genetic Services Laboratory, University of Chicago
Classification: Likely benign. Last evaluated: 2013-02-08. Review status: criteria provided, single submitter. Criteria: ACMG Guidelines, 2007. Collection method: clinical testing. Allele origin: germline. Inheritance: Autosomal dominant inheritance.

PreventionGenetics, part of Exact Sciences
Classification: Likely benign for NSD1-related condition. Last evaluated: 2024-05-23. Review status: no assertion criteria provided. Collection method: clinical testing. Allele origin: germline. Not counted in ClinVar's aggregate classification.
Comment: This variant is classified as likely benign based on ACMG/AMP sequence variant interpretation guidelines (Richards et al. 2015 PMID: 25741868, with internal and published modifications).

NM_022455.5(NSD1):c.6480G>A (p.Pro2160=)

Gene: NSD1 (nuclear receptor binding SET domain protein 1; plus strand). Cytogenetic location: 5q35.3.
Variant type: single nucleotide variant.
Coding change: c.6480G>A on transcript NM_022455.5 (MANE Select); coding-DNA position 6480, G replaced by A.
Protein change: p.Pro2160=; no amino-acid change (proline 2160 retained).
Molecular consequence: synonymous variant.
Genome position (GRCh38, 1-based): chr5:177,293,848, G>A. VCF-style: chr5-177293848-G-A. GRCh37 (hg19) VCF-style: chr5-176720849-G-A.
Other names: c.5607G>A, p.Pro1869= (NM_001365684.2, NM_001409308.1, NM_172349.5); c.6480G>A, p.Pro2160= (NM_001409301.1, NM_001409302.1, NM_001409303.1); c.6060G>A, p.Pro2020= (NM_001409304.1); c.5727G>A, p.Pro1909= (NM_001409305.1); c.5718G>A, p.Pro1906= (NM_001409306.1, NM_001409307.1); c.5358G>A, p.Pro1786= (NM_001409309.1).
Identifiers: ClinVar variation 159425 (VCV000159425.16), dbSNP rs587784203, ClinGen allele CA172849.